The following is an entry in ClinVar:

ClinVar aggregate classification (germline): Pathogenic. Review status: criteria provided, multiple submitters, no conflicts (2 of 4 stars). 2 submissions from 2 submitters: Pathogenic (2). Last evaluated 2025-12-06.

Conditions:
Autosomal recessive nonsyndromic hearing loss 23. Identifiers: Orphanet 90636, MedGen C1836027, MONDO:0012293, OMIM 609533.
Usher syndrome type 1F (USH1F). Also called: USHER SYNDROME, TYPE IF. Identifiers: Orphanet 231169, Orphanet 886, MedGen C1865885, MONDO:0011186, OMIM 602083.

Submissions (2):

Myriad Genetics, Inc.
Classification: Pathogenic for Usher syndrome type 1F. Last evaluated: 2025-12-06. Review status: criteria provided, single submitter. Criteria: Myriad Autosomal Dominant, Autosomal Recessive and X-Linked Classification Criteria (2023). Collection method: clinical testing. Allele origin: unknown.
Comment: NM_033056.3(PCDH15):c.2542delC(G849Efs*8) is expected to be pathogenic in the context of PCDH15-related disorders. This variant is predicted to lead to an abnormal or absent protein product due to the creation of a premature termination codon in PCDH15, a gene where loss-of-function variants are known to be pathogenic. Please note: this variant was assessed in the context of healthy population screening.

Institute of Rare Diseases, West China Hospital, Sichuan University
Classification: Pathogenic for Autosomal recessive nonsyndromic hearing loss 23. Last evaluated: 2025-01-09. Review status: criteria provided, single submitter. Criteria: ClinGen HL ACMG Specifications v1. Collection method: research. Allele origin: germline. Affected: yes.
Comment: PVS1;PM3_Supporting;PM2_Supporting

NM_001384140.1(PCDH15):c.2542del (p.Gly849fs)

Gene: PCDH15 (protocadherin related 15; minus strand). Cytogenetic location: 10q21.1.
Variant type: Deletion.
Coding change: c.2542del on transcript NM_001384140.1 (MANE Select); coding-DNA position 2542, one base deleted (C; older notation c.2542delC).
Protein change: p.Gly849fs; shifts the reading frame from glycine 849.
Molecular consequence: frameshift variant.
Genome position (GRCh38, 1-based): chr10:54,020,401, G deleted on the plus strand (C on the coding strand, the reverse complement: PCDH15 is on the minus strand); the first of 2 consecutive G bases (chr10:54,020,401-54,020,402); deleting either gives the same sequence. VCF-style (leftmost placement, unchanged base first): chr10-54020400-AG-A. GRCh37 (hg19) VCF-style: chr10-55780160-AG-A.
Other names: c.2557del, p.Gly854fs (NM_001142763.2, NM_001142771.2); c.2542del, p.Gly849fs (NM_001142764.2, NM_001142766.2, NM_001142770.3 and 5 more transcripts); c.2329del, p.Gly778fs (NM_001142765.2); c.2431del, p.Gly812fs (NM_001142767.2); c.2476del, p.Gly827fs (NM_001142768.2, NM_001142773.2, NM_001354404.2); c.2577delC, p.Gly861Glufs (NM_001142769.4); c.2563del, p.Gly856fs (NM_001354411.2); short protein forms G778fs, G812fs, G827fs, G849fs, G854fs, G856fs, G861fs.
Identifiers: ClinVar variation 3601613 (VCV003601613.2).